The following is an entry in ClinVar:

ClinVar aggregate classification (germline): Uncertain significance (1 of 4 stars; one submission).

Conditions:
Hereditary cancer-predisposing syndrome. Also called: Neoplastic Syndromes, Hereditary; Tumor predisposition; Hereditary Cancer Syndrome; Hereditary neoplastic syndrome. Identifiers: Orphanet 140162, MedGen C0027672, MeSH D009386, MONDO:0015356.

Submission:

Ambry Genetics
Classification: Uncertain significance for Hereditary cancer-predisposing syndrome. Last evaluated: 2026-04-12. Review status: criteria provided, single submitter. Criteria: Ambry Variant Classification Scheme 2023. Collection method: clinical testing. Allele origin: germline.
Comment: The p.D576V variant (also known as c.1727A>T), located in coding exon 14 of the POT1 gene, results from an A to T substitution at nucleotide position 1727. The aspartic acid at codon 576 is replaced by valine, an amino acid with highly dissimilar properties. This amino acid position is conserved. In addition, this alteration is predicted to be tolerated by in silico analysis. Based on the available evidence, the clinical significance of this variant remains unclear.

NM_015450.3(POT1):c.1727A>T (p.Asp576Val)

Gene: POT1 (protection of telomeres 1; minus strand). Cytogenetic location: 7q31.33.
Variant type: single nucleotide variant.
Coding change: c.1727A>T on transcript NM_015450.3 (MANE Select); coding-DNA position 1727, A replaced by T.
Protein change: p.Asp576Val; replaces aspartic acid 576 with valine.
Molecular consequence: missense variant. On other transcripts: non-coding transcript variant (3).
Genome position (GRCh38, 1-based): chr7:124,825,317, T>A on the plus strand (A>T on the coding strand, the complement: POT1 is on the minus strand). VCF-style: chr7-124825317-T-A. GRCh37 (hg19) VCF-style: chr7-124465371-T-A.
Other names: c.1334A>T, p.Asp445Val (NM_001042594.2); short protein forms D445V, D576V.
Identifiers: ClinVar variation 4862388 (VCV004862388.1).
Genomic context (GRCh38, chr7:124,825,317, plus strand): 5'-TTTATTCCTGGAGGACAAAACATATCCATGATCATATCCACACTTTTCTGAAGGTCATCA[T>A]CCATCAGAACTTCTGATGCTGGAATCTGGAAGAATTTGTCCTTAAAAATGTTTCATGAGA-3'
Protein context (NP_056265.2, residues 566-586): FQIPASEVLM[Asp576Val]DDLQKSVDMI